The following is an entry in ClinVar:

ClinVar aggregate classification (germline): Uncertain significance (1 of 4 stars; one submission).

Allele frequency attached by ClinVar (database versions not stated): gnomAD 0.00001; TOPMed 0.00001.
gnomAD v4.1: 2 of 1,614,042 alleles (0.00012%); highest among the groups gnomAD compares: African/African-American, 0.0027%; no homozygotes.

Submission:

Labcorp Genetics (formerly Invitae), Labcorp
Classification: Uncertain significance. Last evaluated: 2023-08-24. Review status: criteria provided, single submitter. Criteria: Invitae Variant Classification Sherloc (09022015). Collection method: clinical testing. Allele origin: germline.
Comment: In summary, the available evidence is currently insufficient to determine the role of this variant in disease. Therefore, it has been classified as a Variant of Uncertain Significance. Advanced modeling of protein sequence and biophysical properties (such as structural, functional, and spatial information, amino acid conservation, physicochemical variation, residue mobility, and thermodynamic stability) performed at Invitae indicates that this missense variant is not expected to disrupt NTRK2 protein function. ClinVar contains an entry for this variant (Variation ID: 2083795). This variant has not been reported in the literature in individuals affected with NTRK2-related conditions. This variant is not present in population databases (gnomAD no frequency). This sequence change replaces threonine, which is neutral and polar, with serine, which is neutral and polar, at codon 337 of the NTRK2 protein (p.Thr337Ser).

NM_006180.6(NTRK2):c.1010C>G (p.Thr337Ser)

Gene: NTRK2 (neurotrophic receptor tyrosine kinase 2; plus strand). Cytogenetic location: 9q21.33.
Variant type: single nucleotide variant.
Coding change: c.1010C>G on transcript NM_006180.6 (MANE Select); coding-DNA position 1010, C replaced by G.
Protein change: p.Thr337Ser; replaces threonine 337 with serine.
Molecular consequence: missense variant.
Genome position (GRCh38, 1-based): chr9:84,727,810, C>G. VCF-style: chr9-84727810-C-G. GRCh37 (hg19) VCF-style: chr9-87342725-C-G.
Other names: c.1010C>G, p.Thr337Ser (NM_001007097.3, NM_001018064.3, NM_001018065.2 and 17 more transcripts); c.971C>G, p.Thr324Ser (NM_001291937.2, NM_001369546.1); c.542C>G, p.Thr181Ser (NM_001369535.1, NM_001369536.1, NM_001369550.1 and 2 more transcripts); short protein forms T324S, T337S, T181S.
Identifiers: ClinVar variation 2083795 (VCV002083795.4), dbSNP rs1268292641, ClinGen allele CA374008683.
Genomic context (GRCh38, chr9:84,727,810, plus strand): 5'-GGTTCTATAACGGGGCAATATTGAATGAGTCCAAATACATCTGTACTAAAATACATGTTA[C>G]CAATCACACGGAGTACCACGGCTGCCTCCAGCTGGATAATCCCACTCACATGAACAATGG-3'
Protein context (NP_006171.2, residues 327-347): SKYICTKIHV[Thr337Ser]NHTEYHGCLQ